The following is an entry in ClinVar:

NM_000352.6(ABCC8):c.1142T>C (p.Ile381Thr)

Gene: ABCC8 (ATP binding cassette subfamily C member 8; minus strand). Cytogenetic location: 11p15.1.
Variant type: single nucleotide variant.
Coding change: c.1142T>C on transcript NM_000352.6 (MANE Select); coding-DNA position 1142, T replaced by C.
Protein change: p.Ile381Thr; replaces isoleucine 381 with threonine.
Molecular consequence: missense variant. On other transcripts: non-coding transcript variant (1).
Genome position (GRCh38, 1-based): chr11:17,453,153, A>G on the plus strand (T>C on the coding strand, the complement: ABCC8 is on the minus strand). VCF-style: chr11-17453153-A-G. GRCh37 (hg19) VCF-style: chr11-17474700-A-G.
Other names: c.1142T>C, p.Ile381Thr (NM_001287174.3, NM_001351295.2); c.1139T>C, p.Ile380Thr (NM_001351296.2, NM_001351297.2); short protein forms I380T, I381T.
Identifiers: ClinVar variation 1731714 (VCV001731714.2), dbSNP rs1591862756, ClinGen allele CA379770639.

ClinVar aggregate classification (germline): Uncertain significance (1 of 4 stars; one submission).

Conditions:
Inborn genetic diseases. Identifiers: MedGen C0950123, MeSH D030342.

Submission:

Ambry Genetics
Classification: Uncertain significance for Inborn genetic diseases. Last evaluated: 2022-04-04. Review status: criteria provided, single submitter. Criteria: Ambry Variant Classification Scheme 2023. Collection method: clinical testing. Allele origin: germline.
Comment: The p.I381T variant (also known as c.1142T>C), located in coding exon 7 of the ABCC8 gene, results from a T to C substitution at nucleotide position 1142. The isoleucine at codon 381 is replaced by threonine, an amino acid with similar properties. This amino acid position is conserved. In addition, this alteration is predicted to be deleterious by in silico analysis. Since supporting evidence is limited at this time, the clinical significance of this alteration remains unclear.